The following is an entry in ClinVar:

NM_000245.4(MET):c.2050A>G (p.Ser684Gly)

Gene: MET (MET proto-oncogene, receptor tyrosine kinase; plus strand). Cytogenetic location: 7q31.2.
Variant type: single nucleotide variant.
Coding change: c.2050A>G on transcript NM_000245.4 (MANE Select); coding-DNA position 2050, A replaced by G.
Protein change: p.Ser684Gly; replaces serine 684 with glycine.
Molecular consequence: missense variant.
Genome position (GRCh38, 1-based): chr7:116,757,722, A>G. VCF-style: chr7-116757722-A-G. GRCh37 (hg19) VCF-style: chr7-116397776-A-G.
Other names: c.2050A>G (NM_001127500.2); c.2050A>G, p.Ser684Gly (NM_001127500.3, NM_001324401.3); c.760A>G, p.Ser254Gly (NM_001324402.2); short protein forms S684G, S254G.
Identifiers: ClinVar variation 485784 (VCV000485784.9), dbSNP rs1554395462, ClinGen allele CA368979949.

ClinVar aggregate classification (germline): Uncertain significance. Review status: criteria provided, multiple submitters, no conflicts (2 of 4 stars). 3 submissions from 3 submitters: Uncertain significance (3). Last evaluated 2026-03-05.

Conditions:
MET-related disorder. Also called: MET-related condition.
Renal cell carcinoma. Identifiers: Orphanet 217071, MedGen C0007134, MeSH D002292, MONDO:0005086, HP:0005584.
Hereditary cancer-predisposing syndrome. Also called: Neoplastic Syndromes, Hereditary; Hereditary Cancer Syndrome; Tumor predisposition; Hereditary neoplastic syndrome. Identifiers: Orphanet 140162, MedGen C0027672, MeSH D009386, MONDO:0015356.

Allele frequency attached by ClinVar (database versions not stated): gnomAD exomes below 0.00001; TOPMed below 0.00001.
gnomAD v4.1: 1 of 1,613,982 alleles (0.000062%); highest among the groups gnomAD compares: Non-Finnish European, 0.000085%; no homozygotes.

Submissions (3):

PreventionGenetics, part of Exact Sciences
Classification: Uncertain significance for MET-related condition. Last evaluated: 2026-03-05. Review status: criteria provided, single submitter. Criteria: ACMG Guidelines, 2015. Collection method: clinical testing. Allele origin: germline.
Comment: The MET c.2050A>G variant is predicted to result in the amino acid substitution p.Ser684Gly. To our knowledge, this variant has not been reported in the literature or in a large population database (gnomAD), indicating this variant is rare. At this time, the clinical significance of this variant is uncertain due to the absence of conclusive functional and genetic evidence.

Labcorp Genetics (formerly Invitae), Labcorp
Classification: Uncertain significance for Renal cell carcinoma. Last evaluated: 2023-05-25. Review status: criteria provided, single submitter. Criteria: Invitae Variant Classification Sherloc (09022015). Collection method: clinical testing. Allele origin: germline.
Comment: In summary, the available evidence is currently insufficient to determine the role of this variant in disease. Therefore, it has been classified as a Variant of Uncertain Significance. Algorithms developed to predict the effect of sequence changes on RNA splicing suggest that this variant may create or strengthen a splice site. Advanced modeling of protein sequence and biophysical properties (such as structural, functional, and spatial information, amino acid conservation, physicochemical variation, residue mobility, and thermodynamic stability) performed at Invitae indicates that this missense variant is expected to disrupt MET protein function. ClinVar contains an entry for this variant (Variation ID: 485784). This variant has not been reported in the literature in individuals affected with MET-related conditions. This variant is not present in population databases (gnomAD no frequency). This sequence change replaces serine, which is neutral and polar, with glycine, which is neutral and non-polar, at codon 684 of the MET protein (p.Ser684Gly).

Ambry Genetics
Classification: Uncertain significance for Hereditary cancer-predisposing syndrome. Last evaluated: 2017-05-18. Review status: criteria provided, single submitter. Criteria: Ambry Variant Classification Scheme 2023. Collection method: clinical testing. Allele origin: germline.
Comment: The p.S684G variant (also known as c.2050A>G), located in coding exon 7 of the MET gene, results from an A to G substitution at nucleotide position 2050. The serine at codon 684 is replaced by glycine, an amino acid with similar properties. This amino acid position is highly conserved in available vertebrate species. In addition, the in silico prediction for this alteration is inconclusive. Since supporting evidence is limited at this time, the clinical significance of this alteration remains unclear.